The following is an entry in ClinVar:

NM_001004317.4(LIN28B):c.5C>A (p.Ala2Asp)

Gene: LIN28B (lin-28 RNA binding posttranscriptional regulator B; plus strand). Cytogenetic location: 6q16.3.
Variant type: single nucleotide variant.
Coding change: c.5C>A on transcript NM_001004317.4 (MANE Select); coding-DNA position 5, C replaced by A.
Protein change: p.Ala2Asp; replaces alanine 2 with aspartic acid.
Molecular consequence: missense variant.
Genome position (GRCh38, 1-based): chr6:104,957,255, C>A. VCF-style: chr6-104957255-C-A. GRCh37 (hg19) VCF-style: chr6-105405130-C-A.
Other names: short protein forms A2D.
Identifiers: ClinVar variation 91920 (VCV000091920.2), dbSNP rs386352325, ClinGen allele CA232161.

ClinVar aggregate classification (germline): Uncertain significance (0 of 4 stars; one submission).

Submission:

Richard Lifton Laboratory, Yale University School of Medicine
Classification: Uncertain significance. Review status: no assertion criteria provided. Collection method: not provided. Allele origin: somatic.
Comment: LIN28B
ClinVar note: Converted during submission from unknown to Uncertain significance.